The following is an entry in ClinVar:

NC_000017.10:g.(?_48261461)_(48275567_48275793)dup

Gene: COL1A1 (collagen type I alpha 1 chain; minus strand). Cytogenetic location: 17q21.33.
Variant type: Duplication.
Identifiers: ClinVar variation 4537238 (VCV004537238.1).

ClinVar aggregate classification (germline): Uncertain significance (1 of 4 stars; one submission).

Submission:

Women's Health and Genetics/Laboratory Corporation of America, LabCorp
Classification: Uncertain significance. Last evaluated: 2025-11-24. Review status: criteria provided, single submitter. Criteria: LabCorp Variant Classification Summary - May 2015. Collection method: clinical testing. Allele origin: germline.
Comment: Variant summary: The variant involves the duplication of exons 7-51 in the COL1A1 gene. A presumed nomenclature of c.(543+1_544-1)_(*1402_?)dup has been designated for the purposes of this classification. The exact breakpoint at the 3' end of this variant is unknown, therefore this duplication may extend downstream of the annotated region of the gene. As it duplicates the termination codon, its effect on the encoded protein is unknown. The variant was absent in 120778 control chromosomes in the gnomAD database (Structural Variants v4.1 dataset). The available data on variant occurrences in the general population are insufficient to allow any conclusion about variant significance. To our knowledge, no occurrence of c.(543+1_544-1)_(*1402_?)dup in individuals affected with COL1A1-related conditions and no experimental evidence demonstrating its impact on protein function have been reported. No submitters have cited clinical-significance assessments for this variant to ClinVar. Based on the evidence outlined above, the variant was classified as uncertain significance.